The following is an entry in ClinVar:

NM_000392.5(ABCC2):c.1875T>C (p.Ser625=)

Gene: ABCC2 (ATP binding cassette subfamily C member 2; plus strand). Cytogenetic location: 10q24.2.
Variant type: single nucleotide variant.
Coding change: c.1875T>C on transcript NM_000392.5 (MANE Select); coding-DNA position 1875, T replaced by C.
Protein change: p.Ser625=; no amino-acid change (serine 625 retained).
Molecular consequence: synonymous variant.
Genome position (GRCh38, 1-based): chr10:99,810,193, T>C. VCF-style: chr10-99810193-T-C. GRCh37 (hg19) VCF-style: chr10-101569950-T-C.
Other names: c.1875T>C (NM_000392.4).
Identifiers: ClinVar variation 2986570 (VCV002986570.5), dbSNP rs759382426, ClinGen allele CA5643316.

ClinVar aggregate classification (germline): Likely benign. Review status: criteria provided, single submitter (1 of 4 stars). 2 submissions from 2 submitters: Likely benign (1). 1 of the submissions does not count toward it. Last evaluated 2024-01-03.

Conditions:
ABCC2-related disorder. Also called: ABCC2-related condition.

Allele frequency attached by ClinVar (database versions not stated): ExAC 0.00001; gnomAD exomes 0.00001; TOPMed 0.00001.
gnomAD v4.1: 5 of 1,613,596 alleles (0.00031%); highest among the groups gnomAD compares: Admixed American, 0.0083%; no homozygotes.

Submissions (2):

Labcorp Genetics (formerly Invitae), Labcorp
Classification: Likely benign. Last evaluated: 2024-01-03. Review status: criteria provided, single submitter. Criteria: Invitae Variant Classification Sherloc (09022015). Collection method: clinical testing. Allele origin: germline.

PreventionGenetics, part of Exact Sciences
Classification: Likely benign for ABCC2-related condition. Last evaluated: 2022-05-04. Review status: no assertion criteria provided. Collection method: clinical testing. Allele origin: germline. Not counted in ClinVar's aggregate classification.
Comment: This variant is classified as likely benign based on ACMG/AMP sequence variant interpretation guidelines (Richards et al. 2015 PMID: 25741868, with internal and published modifications).